The following is an entry in ClinVar:

ClinVar aggregate classification (germline): Uncertain significance (1 of 4 stars; one submission).

Conditions:
Multiple endocrine neoplasia, type 2 (MEN2). Identifiers: Orphanet 653, MedGen C4048306, MONDO:0019003. Disease mechanism: gain of function.

Submission:

Labcorp Genetics (formerly Invitae), Labcorp
Classification: Uncertain significance for Multiple endocrine neoplasia, type 2. Last evaluated: 2022-03-31. Review status: criteria provided, single submitter. Criteria: Invitae Variant Classification Sherloc (09022015). Collection method: clinical testing. Allele origin: germline.
Comment: This sequence change replaces leucine, which is neutral and non-polar, with arginine, which is basic and polar, at codon 773 of the RET protein (p.Leu773Arg). This variant is not present in population databases (gnomAD no frequency). In summary, the available evidence is currently insufficient to determine the role of this variant in disease. Therefore, it has been classified as a Variant of Uncertain Significance. Algorithms developed to predict the effect of missense changes on protein structure and function are either unavailable or do not agree on the potential impact of this missense change (SIFT: "Deleterious"; PolyPhen-2: "Possibly Damaging"; Align-GVGD: "Class C0"). This variant has not been reported in the literature in individuals affected with RET-related conditions.

NM_020975.6(RET):c.2318T>G (p.Leu773Arg)

Gene: RET (ret proto-oncogene; plus strand). Cytogenetic location: 10q11.21.
Variant type: single nucleotide variant.
Coding change: c.2318T>G on transcript NM_020975.6 (MANE Select); coding-DNA position 2318, T replaced by G.
Protein change: p.Leu773Arg; replaces leucine 773 with arginine.
Molecular consequence: missense variant.
Genome position (GRCh38, 1-based): chr10:43,118,406, T>G. VCF-style: chr10-43118406-T-G. GRCh37 (hg19) VCF-style: chr10-43613854-T-G.
Other names: c.2318T>G, p.Leu773Arg (NM_000323.2, NM_001406743.1, NM_001406744.1 and 4 more transcripts); c.1556T>G, p.Leu519Arg (NM_001355216.2); c.2189T>G, p.Leu730Arg (NM_001406761.1, NM_001406762.1, NM_001406764.1); c.2183T>G, p.Leu728Arg (NM_001406763.1, NM_001406765.1); c.2030T>G, p.Leu677Arg (NM_001406766.1, NM_001406767.1, NM_001406770.1); c.2054T>G, p.Leu685Arg (NM_001406768.1); c.1922T>G, p.Leu641Arg (NM_001406769.1, NM_001406772.1); c.1880T>G, p.Leu627Arg (NM_001406771.1, NM_001406773.1); and 10 more; short protein forms L434R, L677R, L685R, L290R, L338R, L378R, L429R, L730R.
Identifiers: ClinVar variation 2119874 (VCV002119874.4), dbSNP rs2132928941, ClinGen allele CA376555652.
Genomic context (GRCh38, chr10:43,118,406, plus strand): 5'-TGCAACCTGCTCTGTGCTGCATTTCAGAGAACGCCTCCCCGAGTGAGCTGCGAGACCTGC[T>G]GTCAGAGTTCAACGTCCTGAAGCAGGTCAACCACCCACATGTCATCAAATTGTATGGGGC-3'
Protein context (NP_066124.1, residues 763-783): NASPSELRDL[Leu773Arg]SEFNVLKQVN